The following is an entry in ClinVar:

NM_020163.3(SEMA3G):c.456G>A (p.Gly152=)

Gene: SEMA3G (semaphorin 3G; minus strand). Cytogenetic location: 3p21.1.
Variant type: single nucleotide variant.
Coding change: c.456G>A on transcript NM_020163.3 (MANE Select); coding-DNA position 456, G replaced by A.
Protein change: p.Gly152=; no amino-acid change (glycine 152 retained).
Molecular consequence: synonymous variant.
Genome position (GRCh38, 1-based): chr3:52,442,188, C>T on the plus strand (G>A on the coding strand, the complement: SEMA3G is on the minus strand). VCF-style: chr3-52442188-C-T. GRCh37 (hg19) VCF-style: chr3-52476204-C-T.
Identifiers: ClinVar variation 4985672 (VCV004985672.1).

ClinVar aggregate classification (germline): Likely benign (1 of 4 stars; one submission).

Conditions:
SEMA3G-related disorder. Also called: SEMA3G-related condition.

Submission:

PreventionGenetics, part of Exact Sciences
Classification: Likely benign for SEMA3G-related condition. Last evaluated: 2025-12-22. Review status: criteria provided, single submitter. Criteria: ACMG Guidelines, 2015. Collection method: clinical testing. Allele origin: germline.
Comment: This variant is classified as likely benign based on ACMG/AMP sequence variant interpretation guidelines (Richards et al. 2015 PMID: 25741868, with internal and published modifications).